The following is an entry in ClinVar:

ClinVar aggregate classification (germline): Benign/Likely benign. Review status: criteria provided, multiple submitters, no conflicts (2 of 4 stars). 3 submissions from 3 submitters: Benign (1); Likely benign (2). Last evaluated 2025-06-04.

Conditions:
Tuberous sclerosis syndrome (TSC). Also called: Tuberous Sclerosis Complex; Tuberous sclerosis. Identifiers: Orphanet 805, MedGen C0041341, MONDO:0001734.
Tuberous sclerosis 2 (TSC2). Identifiers: Orphanet 805, MedGen C1860707, MONDO:0013199, OMIM 613254.

Submissions (3):

Myriad Genetics, Inc.
Classification: Benign for Tuberous sclerosis 2. Last evaluated: 2025-06-04. Review status: criteria provided, single submitter. Criteria: Myriad Autosomal Dominant, Autosomal Recessive and X-Linked Classification Criteria (2023). Collection method: clinical testing. Allele origin: unknown.
Comment: This variant is considered benign. This variant is a silent/synonymous amino acid change and it is not expected to impact splicing.

All of Us Research Program, National Institutes of Health
Classification: Likely benign for Tuberous sclerosis syndrome. Last evaluated: 2023-10-02. Review status: criteria provided, single submitter. Criteria: ACMG Guidelines, 2015. Collection method: clinical testing. Allele origin: germline. Inheritance: Autosomal dominant inheritance. Observed: 1 variant allele, 1 heterozygote.
Comment: This study involves interpretation of variants in research participants for the purpose of population health screening. Participant phenotype was not available at the time of variant classification. Additional details can be found in publication PMID: 35346344, PMCID: PMC8962531

Labcorp Genetics (formerly Invitae), Labcorp
Classification: Likely benign for Tuberous sclerosis 2. Last evaluated: 2023-07-26. Review status: criteria provided, single submitter. Criteria: Invitae Variant Classification Sherloc (09022015). Collection method: clinical testing. Allele origin: germline.

NM_000548.5(TSC2):c.4758C>T (p.Asp1586=)

Gene: TSC2 (TSC complex subunit 2; plus strand). Cytogenetic location: 16p13.3.
Variant type: single nucleotide variant.
Coding change: c.4758C>T on transcript NM_000548.5 (MANE Select); coding-DNA position 4758, C replaced by T.
Protein change: p.Asp1586=; no amino-acid change (aspartic acid 1586 retained).
Molecular consequence: synonymous variant. On other transcripts: non-coding transcript variant (5).
Genome position (GRCh38, 1-based): chr16:2,086,288, C>T. VCF-style: chr16-2086288-C-T. GRCh37 (hg19) VCF-style: chr16-2136289-C-T.
Other names: c.4542C>T, p.Asp1514= (NM_001406675.1); c.4539C>T, p.Asp1513= (NM_001406676.1); c.4500C>T, p.Asp1500= (NM_001406677.1); c.4446C>T, p.Asp1482= (NM_001406678.1); c.4410C>T, p.Asp1470= (NM_001406679.1); c.4158C>T, p.Asp1386= (NM_001406680.1); c.4098C>T, p.Asp1366= (NM_001406681.1); c.4089C>T, p.Asp1363= (NM_001406682.1, NM_001406683.1); and 26 more.
Identifiers: ClinVar variation 2747022 (VCV002747022.5), dbSNP rs1366814192, ClinGen allele CA493043552.
Genomic context (GRCh38, chr16:2,086,288, plus strand): 5'-TGGCTCCTACAGGTACACGGAGTTCCTGACGGGCCTGGGCCGGCTCATCGAGCTGAAGGA[C>T]TGCCAGCCGGACAAGGTGTACCTGGGAGGCCTGGACGTGTGTGGTGAGGACGGCCAGTTC-3'
Protein context (NP_000539.2, residues 1576-1596): TGLGRLIELK[Asp1586=]CQPDKVYLGG